The following is an entry in ClinVar:

ClinVar aggregate classification (germline): Pathogenic. Review status: reviewed by expert panel (3 of 4 stars). 7 submissions from 7 submitters: Pathogenic (1). 6 of the submissions do not count toward it. Last evaluated 2016-09-08.

Conditions:
Hereditary cancer-predisposing syndrome. Also called: Tumor predisposition; Neoplastic Syndromes, Hereditary; Hereditary neoplastic syndrome; Hereditary Cancer Syndrome. Identifiers: Orphanet 140162, MedGen C0027672, MeSH D009386, MONDO:0015356.
Hereditary breast ovarian cancer syndrome. Also called: Hereditary breast and ovarian cancer; Hereditary breast and ovarian cancer syndrome (HBOC); Hereditary breast and/or ovarian cancer syndrome; Breast and ovarian cancer; Hereditary breast and ovarian cancer syndrome; BRCA1- and BRCA2-Associated Hereditary Breast and Ovarian Cancer. Identifiers: Orphanet 145, MedGen C0677776, MeSH D061325, MONDO:0003582. Disease mechanism: loss of function.
Breast-ovarian cancer, familial, susceptibility to, 2 (BROVCA2). Also called: BRCA2 Hereditary Breast and Ovarian Cancer. Identifiers: Orphanet 145, MedGen C2675520, MONDO:0012933, OMIM 612555. Disease mechanism: loss of function.

Submissions (7):

Evidence-based Network for the Interpretation of Germline Mutant Alleles (ENIGMA)
Classification: Pathogenic for Breast-ovarian cancer, familial, susceptibility to, 2. Last evaluated: 2016-09-08. Review status: reviewed by expert panel. Criteria: ENIGMA BRCA1/2 Classification Criteria (2015). Collection method: curation. Allele origin: germline.
Comment: Variant allele predicted to encode a truncated non-functional protein.

Labcorp Genetics (formerly Invitae), Labcorp
Classification: Pathogenic for Hereditary breast ovarian cancer syndrome. Last evaluated: 2025-08-13. Review status: criteria provided, single submitter. Criteria: Invitae Variant Classification Sherloc (09022015). Collection method: clinical testing. Allele origin: germline. Not counted in ClinVar's aggregate classification.
Comment: This sequence change creates a premature translational stop signal (p.Ile1364Metfs*3) in the BRCA2 gene. It is expected to result in an absent or disrupted protein product. Loss-of-function variants in BRCA2 are known to be pathogenic (PMID: 20104584). This variant is not present in population databases (gnomAD no frequency). This premature translational stop signal has been observed in individual(s) with BRCA2-related conditions (PMID: 10923033, 21520333). ClinVar contains an entry for this variant (Variation ID: 37877). For these reasons, this variant has been classified as Pathogenic.

Ambry Genetics
Classification: Pathogenic for Hereditary cancer-predisposing syndrome. Last evaluated: 2024-09-29. Review status: criteria provided, single submitter. Criteria: Ambry Variant Classification Scheme 2023. Collection method: clinical testing. Allele origin: germline. Not counted in ClinVar's aggregate classification.
Comment: The c.4092_4093delAT pathogenic mutation, located in coding exon 10 of the BRCA2 gene, results from a deletion of two nucleotides at nucleotide positions 4092 to 4093, causing a translational frameshift with a predicted alternate stop codon (p.I1364Mfs*3). This variant is considered to be rare based on population cohorts in the Genome Aggregation Database (gnomAD). In addition, this alteration is expected to result in loss of function by premature protein truncation or nonsense-mediated mRNA decay. As such, this alteration is interpreted as a disease-causing mutation.

Color Diagnostics, LLC DBA Color Health
Classification: Pathogenic for Hereditary cancer-predisposing syndrome. Last evaluated: 2021-04-07. Review status: criteria provided, single submitter. Criteria: ACMG Guidelines, 2015. Collection method: clinical testing. Allele origin: germline. Not counted in ClinVar's aggregate classification.
Comment: This variant deletes 2 nucleotides in exon 11 of the BRCA2 gene, creating a frameshift and premature translation stop signal. This variant is expected to result in an absent or non-functional protein product. This variant has been reported in an individual affected with breast cancer and pancreatic cancer (PMID: 32019277). This variant has not been identified in the general population by the Genome Aggregation Database (gnomAD). Loss of BRCA2 function is a known mechanism of disease. Based on the available evidence, this variant is classified as Pathogenic.

Research Molecular Genetics Laboratory, Women's College Hospital, University of Toronto
Classification: Pathogenic for Hereditary breast ovarian cancer syndrome. Last evaluated: 2014-01-31. Review status: no assertion criteria provided. Collection method: research. Allele origin: germline. Affected: yes. Study: The Canadian Open Genetics Repository (COGR). Not counted in ClinVar's aggregate classification.

Sharing Clinical Reports Project (SCRP)
Classification: Pathogenic for Breast-ovarian cancer, familial 2. Last evaluated: 2011-11-17. Review status: no assertion criteria provided. Collection method: clinical testing. Allele origin: germline. Not counted in ClinVar's aggregate classification.

Breast Cancer Information Core (BIC) (BRCA2)
Classification: Pathogenic for Breast-ovarian cancer, familial 2. Last evaluated: 1999-04-12. Review status: no assertion criteria provided. Collection method: clinical testing. Allele origin: germline, somatic. Affected: yes. Observed: 2 variant alleles. Not counted in ClinVar's aggregate classification.

Literature cited by the submitters: PubMed 20104584 (cited by Labcorp Genetics (formerly Invitae), Labcorp); PubMed 10923033 (cited by Labcorp Genetics (formerly Invitae), Labcorp); PubMed 21520333 (cited by Labcorp Genetics (formerly Invitae), Labcorp).

NM_000059.4(BRCA2):c.4092_4093del (p.Ile1364fs)

Gene: BRCA2 (BRCA2 DNA repair associated; plus strand). Cytogenetic location: 13q13.1.
Variant type: Microsatellite.
Coding change: c.4092_4093del on transcript NM_000059.4 (MANE Select); coding-DNA positions 4092 to 4093, 2 bases deleted (AT; older notation c.4092_4093delAT).
Protein change: p.Ile1364fs; shifts the reading frame from isoleucine 1364.
Molecular consequence: frameshift variant.
Genome position (GRCh38, 1-based): chr13:32,338,447-32,338,448, AT deleted; deleting any 2 consecutive bases within chr13:32,338,445-32,338,448 gives the same sequence; the c. name uses the placement nearest the transcript's 3' end. VCF-style (leftmost placement, unchanged base first): chr13-32338444-CAT-C. GRCh37 (hg19) VCF-style: chr13-32912581-CAT-C.
Other names: 4320delAT; c.4092_4093delAT (NM_000059.3); short protein forms I1364fs.
Identifiers: ClinVar variation 37877 (VCV000037877.20), dbSNP rs80359426, ClinGen allele CA019504.
Genomic context (GRCh38, chr13:32,338,444, plus strand): 5'-AAATGATACTGTTTGTATTCATAAAGATGAAACGGACTTGCTATTTACTGATCAGCACAA[CAT>C]ATGTCTTAAATTATCTGGCCAGTTTATGAAGGAGGGAAACACTCAGATTAAAGAAGATTT-3'